The following is an entry in ClinVar:

NM_000836.4(GRIN2D):c.1040A>T (p.Asp347Val)

Gene: GRIN2D (glutamate ionotropic receptor NMDA type subunit 2D; plus strand). Cytogenetic location: 19q13.33.
Variant type: single nucleotide variant.
Coding change: c.1040A>T on transcript NM_000836.4 (MANE Select); coding-DNA position 1040, A replaced by T.
Protein change: p.Asp347Val; replaces aspartic acid 347 with valine.
Molecular consequence: missense variant.
Genome position (GRCh38, 1-based): chr19:48,405,308, A>T. VCF-style: chr19-48405308-A-T. GRCh37 (hg19) VCF-style: chr19-48908565-A-T.
Other names: short protein forms D347V.
Identifiers: ClinVar variation 1469812 (VCV001469812.8), dbSNP rs2147442203, ClinGen allele CA406693329.
Genomic context (GRCh38, chr19:48,405,308, plus strand): 5'-TGGCCAGAGGTGCCCAGGCCCTGCTGCGTGATTATGGTTTCCTTCCTGAGCTCGGCCACG[A>T]CTGTCGCGCCCAGAACCGCACCCACCGCGGCGAGAGTCTGCATAGGTGAGTGGGGCTGGA-3'
Protein context (NP_000827.2, residues 337-357): DYGFLPELGH[Asp347Val]CRAQNRTHRG

ClinVar aggregate classification (germline): Uncertain significance (1 of 4 stars; one submission).

Submission:

Labcorp Genetics (formerly Invitae), Labcorp
Classification: Uncertain significance. Last evaluated: 2021-05-31. Review status: criteria provided, single submitter. Criteria: Invitae Variant Classification Sherloc (09022015). Collection method: clinical testing. Allele origin: germline.
Comment: This sequence change replaces aspartic acid with valine at codon 347 of the GRIN2D protein (p.Asp347Val). The aspartic acid residue is moderately conserved and there is a large physicochemical difference between aspartic acid and valine. This variant is not present in population databases (ExAC no frequency). This variant has not been reported in the literature in individuals with GRIN2D-related conditions. Algorithms developed to predict the effect of missense changes on protein structure and function are either unavailable or do not agree on the potential impact of this missense change (SIFT: "Deleterious"; PolyPhen-2: "Possibly Damaging"; Align-GVGD: "Class C0"). Algorithms developed to predict the effect of sequence changes on RNA splicing suggest that this variant may create or strengthen a splice site, but this prediction has not been confirmed by published transcriptional studies. In summary, the available evidence is currently insufficient to determine the role of this variant in disease. Therefore, it has been classified as a Variant of Uncertain Significance.